The following is an entry in ClinVar:

NM_006133.3(DAGLA):c.1181T>A (p.Val394Glu)

Gene: DAGLA (diacylglycerol lipase alpha; plus strand). Cytogenetic location: 11q12.2.
Variant type: single nucleotide variant.
Coding change: c.1181T>A on transcript NM_006133.3 (MANE Select); coding-DNA position 1181, T replaced by A.
Protein change: p.Val394Glu; replaces valine 394 with glutamic acid.
Molecular consequence: missense variant.
Genome position (GRCh38, 1-based): chr11:61,735,613, T>A. VCF-style: chr11-61735613-T-A. GRCh37 (hg19) VCF-style: chr11-61503085-T-A.
Other names: short protein forms V394E.
Identifiers: ClinVar variation 4282210 (VCV004282210.1).

ClinVar aggregate classification (germline): Uncertain significance (1 of 4 stars; one submission).

Submission:

GeneDx
Classification: Uncertain significance. Last evaluated: 2025-04-14. Review status: criteria provided, single submitter. Criteria: GeneDx Variant Classification Process June 2021. Collection method: clinical testing. Allele origin: germline. Affected: yes.
Comment: Not observed at significant frequency in large population cohorts (gnomAD); In silico analysis supports that this missense variant has a deleterious effect on protein structure/function; Has not been previously published as pathogenic or benign to our knowledge